The following is an entry in ClinVar:

ClinVar aggregate classification (germline): Likely benign (1 of 4 stars; one submission).

Allele frequency attached by ClinVar (database versions not stated): ExAC 0.00001.
gnomAD v4.1: 1 of 1,605,128 alleles (0.000062%); highest among the groups gnomAD compares: Non-Finnish European, 0.000085%; no homozygotes.

Submission:

Women's Health and Genetics/Laboratory Corporation of America, LabCorp
Classification: Likely benign. Last evaluated: 2023-10-06. Review status: criteria provided, single submitter. Criteria: LabCorp Variant Classification Summary - May 2015. Collection method: clinical testing. Allele origin: germline.
Comment: Variant summary: NOL3 c.-8-14C>T is located in the untranslated mRNA region upstream of the initiation codon. Consensus agreement among computation tools predict no significant impact on normal splicing. However, these predictions have yet to be confirmed by functional studies. The variant allele was found at a frequency of 8.4e-06 in 237838 control chromosomes. The available data on variant occurrences in the general population are insufficient to allow any conclusion about variant significance. To our knowledge, no occurrence of c.-8-14C>T in individuals affected with Myoclonus, Familial, 1 and no experimental evidence demonstrating its impact on protein function have been reported. No submitters have cited clinical-significance assessments for this variant to ClinVar after 2014. Based on the evidence outlined above, the variant was classified as likely benign.

NM_001276309.3(NOL3):c.-8-14C>T

Gene: NOL3 (nucleolar protein 3; plus strand). Cytogenetic location: 16q22.1.
Variant type: single nucleotide variant.
Coding change: c.-8-14C>T on transcript NM_001276309.3 (MANE Select); 14 bases into the intron before 8 bases upstream of the start codon, C replaced by T.
Molecular consequence: intron variant.
Genome position (GRCh38, 1-based): chr16:67,174,148, C>T. VCF-style: chr16-67174148-C-T. GRCh37 (hg19) VCF-style: chr16-67208051-C-T.
Other names: c.-8-14C>T (NM_001276312.3, NM_001394973.1, NM_001276307.3 and 9 more transcripts).
Identifiers: ClinVar variation 2637623 (VCV002637623.1), dbSNP rs776785198, ClinGen allele CA8102252.